The following is an entry in ClinVar:

ClinVar aggregate classification (germline): Conflicting classifications of pathogenicity. Review status: criteria provided, conflicting classifications (1 of 4 stars). 8 submissions from 8 submitters: Uncertain significance (1); Benign (3); Likely benign (4). Last evaluated 2026-01-21.

Conditions:
Early-infantile DEE. Also called: Ohtahara syndrome; Early infantile epileptic encephalopathy with suppression bursts; Early infantile epileptic encephalopathy. Identifiers: Orphanet 1934, MedGen C0393706, MONDO:0800491.
Inborn genetic diseases. Identifiers: MedGen C0950123, MeSH D030342.

Allele frequency attached by ClinVar (database versions not stated): ESP Exome Variant Server 0.00025; 1000 Genomes Project 30x 0.00031; 1000 Genomes Project 0.00040; gnomAD 0.00046 and 0.00049; TOPMed 0.00049.
gnomAD v4.1: 122 of 1,614,038 alleles (0.0076%); highest among the groups gnomAD compares: African/African-American, 0.15%; no homozygotes.

Submissions (8):

Labcorp Genetics (formerly Invitae), Labcorp
Classification: Benign for Early-infantile DEE. Last evaluated: 2026-01-21. Review status: criteria provided, single submitter. Criteria: Invitae Variant Classification Sherloc (09022015). Collection method: clinical testing. Allele origin: germline.

Women's Health and Genetics/Laboratory Corporation of America, LabCorp
Classification: Likely benign. Last evaluated: 2025-12-10. Review status: criteria provided, single submitter. Criteria: LabCorp Variant Classification Summary - May 2015. Collection method: clinical testing. Allele origin: germline.

Mayo Clinic Laboratories, Mayo Clinic
Classification: Benign. Last evaluated: 2025-05-16. Review status: criteria provided, single submitter. Criteria: ACMG Guidelines, 2015. Collection method: clinical testing. Allele origin: germline. Observed: 1 variant allele.
Comment: BS1, BS2, BP4, BP7

Blueprint Genetics
Classification: Likely benign. Last evaluated: 2024-01-23. Review status: criteria provided, single submitter. Criteria: ACMG Guidelines, 2015. Collection method: clinical testing. Allele origin: germline.

Ambry Genetics
Classification: Likely benign for Inborn genetic diseases. Last evaluated: 2016-08-03. Review status: criteria provided, single submitter. Criteria: Ambry Variant Classification Scheme 2023. Collection method: clinical testing. Allele origin: germline.

Eurofins Ntd Llc (ga)
Classification: Uncertain significance. Last evaluated: 2016-01-14. Review status: criteria provided, single submitter. Criteria: EGL Classification Definitions 2015. Collection method: clinical testing. Allele origin: germline. Observed: 1 variant allele, 1 heterozygote.

Genetic Services Laboratory, University of Chicago
Classification: Likely benign. Last evaluated: 2015-10-15. Review status: criteria provided, single submitter. Criteria: ACMG Guidelines, 2015. Collection method: clinical testing. Allele origin: germline. Affected: no.

GeneDx
Classification: Benign. Last evaluated: 2015-06-16. Review status: criteria provided, single submitter. Criteria: GeneDx Variant Classification (06012015). Collection method: clinical testing. Allele origin: germline. Affected: yes.
Comment: This variant is considered likely benign or benign based on one or more of the following criteria: it is a conservative change, it occurs at a poorly conserved position in the protein, it is predicted to be benign by multiple in silico algorithms, and/or has population frequency not consistent with disease.

NM_001330260.2(SCN8A):c.4155A>C (p.Thr1385=)

Gene: SCN8A (sodium voltage-gated channel alpha subunit 8; plus strand). Cytogenetic location: 12q13.13.
Variant type: single nucleotide variant.
Coding change: c.4155A>C on transcript NM_001330260.2 (MANE Select); coding-DNA position 4155, A replaced by C.
Protein change: p.Thr1385=; no amino-acid change (threonine 1385 retained).
Molecular consequence: synonymous variant.
Genome position (GRCh38, 1-based): chr12:51,786,754, A>C. VCF-style: chr12-51786754-A-C. GRCh37 (hg19) VCF-style: chr12-52180538-A-C.
Other names: p.Thr1385=; c.4032A>C, p.Thr1344= (NM_001177984.3, NM_001369788.1); c.4155A>C, p.Thr1385= (NM_014191.4).
Identifiers: ClinVar variation 285485 (VCV000285485.27), dbSNP rs144424662, ClinGen allele CA6571755.
Genomic context (GRCh38, chr12:51,786,754, plus strand): 5'-TGAAATTGAAGATGTCAACAATAAAACTGAATGTGAAAAGCTTATGGAGGGGAACAATAC[A>C]GAGATCAGATGGAAGAACGTGAAGATCAACTTTGACAATGTTGGGGCAGGATACCTGGCC-3'
Protein context (NP_001317189.1, residues 1375-1395): ECEKLMEGNN[Thr1385=]EIRWKNVKIN